The following is an entry in ClinVar:

NM_006922.4(SCN3A):c.2315T>C (p.Leu772Ser)

Gene: SCN3A (sodium voltage-gated channel alpha subunit 3; minus strand). Cytogenetic location: 2q24.3.
Variant type: single nucleotide variant.
Coding change: c.2315T>C on transcript NM_006922.4 (MANE Select); coding-DNA position 2315, T replaced by C.
Protein change: p.Leu772Ser; replaces leucine 772 with serine.
Molecular consequence: missense variant.
Genome position (GRCh38, 1-based): chr2:165,137,955, A>G on the plus strand (T>C on the coding strand, the complement: SCN3A is on the minus strand). VCF-style: chr2-165137955-A-G. GRCh37 (hg19) VCF-style: chr2-165994465-A-G.
Other names: c.2168T>C, p.Leu723Ser (NM_001081676.2, NM_001081677.2); short protein forms L772S, L723S.
Identifiers: ClinVar variation 5006108 (VCV005006108.2).

ClinVar aggregate classification (germline): Uncertain significance (1 of 4 stars; one submission).

Conditions:
Developmental and epileptic encephalopathy, 62. Also called: Early infantile epileptic encephalopathy 62. Identifiers: MedGen C4693699, MONDO:0033371, OMIM 617938.
Epilepsy, familial focal, with variable foci 4 (FFEVF4). Identifiers: MedGen C4693694, MONDO:0054776, OMIM 617935.

Submission:

Juno Genomics, Hangzhou Juno Genomics, Inc
Classification: Uncertain significance for Developmental and epileptic encephalopathy, 62; Epilepsy, familial focal, with variable foci 4. Review status: criteria provided, single submitter. Criteria: ACMG Guidelines, 2015. Collection method: clinical testing. Allele origin: germline.
Comment: Absent from controls (or at extremely low frequency if recessive) in Genome Aggregation Database.;Missense variant in a gene that has a low rate of benign missense variation.;Multiple lines of computational evidence support a deleterious effect on the gene or gene product.